The following is an entry in ClinVar:

NM_000136.3(FANCC):c.8_9del (p.Gln3fs)

Gene: FANCC (FA complementation group C; minus strand). Cytogenetic location: 9q22.32.
Variant type: Deletion.
Coding change: c.8_9del on transcript NM_000136.3 (MANE Select); coding-DNA positions 8 to 9, 2 bases deleted (AA; older notation c.8_9delAA).
Protein change: p.Gln3fs; shifts the reading frame from glutamine 3.
Molecular consequence: frameshift variant.
Genome position (GRCh38, 1-based): chr9:95,249,283-95,249,284, TT deleted on the plus strand (AA on the coding strand, the reverse complement: FANCC is on the minus strand). VCF-style (leftmost placement, unchanged base first): chr9-95249282-CTT-C. GRCh37 (hg19) VCF-style: chr9-98011564-CTT-C.
Other names: c.8_9del, p.Gln3fs (NM_001243743.2, NM_001243744.2); short protein forms Q3fs.
Identifiers: ClinVar variation 929802 (VCV000929802.4), dbSNP rs1831183107, ClinGen allele CA1139661032.
Genomic context (GRCh38, chr9:95,249,282, plus strand): 5'-GATCCCATACAGAAAGCTTCTGCATCCAAAACTGATAATCACAAGAAAGATCTACTGAAT[CTT>C]GAGCCATCTTGGAAAAAGCGAAAAGGTGATGTCCCTTCACAGCAGCCTGTCCAGCACTGA-3'

ClinVar aggregate classification (germline): Pathogenic/Likely pathogenic. Review status: criteria provided, multiple submitters, no conflicts (2 of 4 stars). 4 submissions from 4 submitters: Pathogenic (1); Likely pathogenic (2). 1 of the submissions does not count toward it. Last evaluated 2024-09-04.

Conditions:
FANCC-related disorder. Also called: FANCC-related condition.
Fanconi anemia complementation group C (FANCC). Also called: FANCC-Related Fanconi Anemia; Fanconi anemia, group C; FANCONI PANCYTOPENIA, TYPE 3; FACC. Identifiers: Orphanet 84, MedGen C3468041, MONDO:0009213, OMIM 227645.

Submissions (4):

Blueprint Genetics
Classification: Likely pathogenic for FANCC-related disorders. Last evaluated: 2024-09-04. Review status: criteria provided, single submitter. Criteria: ACMG Guidelines, 2015. Collection method: clinical testing. Allele origin: germline. Affected: yes. Observed: 1 variant allele.

Fulgent Genetics
Classification: Likely pathogenic for Fanconi anemia complementation group C. Last evaluated: 2024-01-23. Review status: criteria provided, single submitter. Criteria: ACMG Guidelines, 2015. Collection method: clinical testing. Allele origin: germline.

Baylor Genetics
Classification: Pathogenic for Fanconi anemia complementation group C. Last evaluated: 2022-03-20. Review status: criteria provided, single submitter. Criteria: ACMG Guidelines, 2015. Collection method: clinical testing. Allele origin: unknown.

Leiden Open Variation Database
Classification: Uncertain significance for Fanconi anemia complementation group C. Last evaluated: 2020-02-28. Review status: no assertion criteria provided. Collection method: curation. Allele origin: germline. Affected: yes. Not counted in ClinVar's aggregate classification.
Comment: Curator: Arleen D. Auerbach. Submitter to LOVD: Arleen D. Auerbach.

Literature cited by the submitters: PubMed 23613520 (cited by Leiden Open Variation Database).